The following is an entry in ClinVar:

ClinVar aggregate classification (germline): Uncertain significance (1 of 4 stars; one submission).

Conditions:
Familial thoracic aortic aneurysm and aortic dissection (TAAD). Also called: Thoracic aortic aneurysms and dissections. Identifiers: Orphanet 91387, MedGen C4707243, MONDO:0019625.

gnomAD v4.1: 14 of 1,613,606 alleles (0.00087%); highest among the groups gnomAD compares: South Asian, 0.015%; no homozygotes.

Submission:

Ambry Genetics
Classification: Uncertain significance for Familial thoracic aortic aneurysm and aortic dissection. Last evaluated: 2026-07-10. Review status: criteria provided, single submitter. Criteria: Ambry Variant Classification Scheme 2023. Collection method: clinical testing. Allele origin: germline.
Comment: The p.E353D variant (also known as c.1059G>C), located in coding exon 10 of the PLOD1 gene, results from a G to C substitution at nucleotide position 1059. The glutamic acid at codon 353 is replaced by aspartic acid, an amino acid with highly similar properties. This amino acid position is conserved. In addition, this alteration is predicted to be tolerated by in silico analysis. Based on the available evidence, the clinical significance of this variant remains unclear.

NM_000302.4(PLOD1):c.1059G>C (p.Glu353Asp)

Gene: PLOD1 (procollagen-lysine,2-oxoglutarate 5-dioxygenase 1; plus strand). Cytogenetic location: 1p36.22.
Variant type: single nucleotide variant.
Coding change: c.1059G>C on transcript NM_000302.4 (MANE Select); coding-DNA position 1059, G replaced by C.
Protein change: p.Glu353Asp; replaces glutamic acid 353 with aspartic acid.
Molecular consequence: missense variant.
Genome position (GRCh38, 1-based): chr1:11,960,729, G>C. VCF-style: chr1-11960729-G-C. GRCh37 (hg19) VCF-style: chr1-12020786-G-C.
Other names: c.1200G>C, p.Glu400Asp (NM_001316320.2); short protein forms E353D, E400D.
Identifiers: ClinVar variation 5026848 (VCV005026848.1).